The following is an entry in ClinVar:

ClinVar aggregate classification (germline): Conflicting classifications of pathogenicity. Review status: criteria provided, conflicting classifications (1 of 4 stars). 9 submissions from 4 submitters: Uncertain significance (1); Likely benign (1). 7 of the submissions do not count toward it. Last evaluated 2024-09-24.

Conditions:
HEMOGLOBIN KURASHIKI.
HEMOGLOBIN G (TAICHUNG).
HEMOGLOBIN Q.
HEMOGLOBIN Q (THAILAND).
HEMOGLOBIN MAHIDOL.
HEMOGLOBIN ASABARA.
alpha Thalassemia. Also called: Alpha thalassemia spectrum. Identifiers: Orphanet 846, MedGen C0002312, MONDO:0011399, OMIM 604131.

Submissions (9):

ARUP Laboratories, Molecular Genetics and Genomics, ARUP Laboratories
Classification: Likely benign. Last evaluated: 2024-09-24. Review status: criteria provided, single submitter. Criteria: ARUP Molecular Germline Variant Investigation Process 2024. Collection method: clinical testing. Allele origin: germline.
Comment: The Hb Q-Thailand variant (HBA1: c.223G>C; p.Asp75His, also known as Asp74His when numbered from the mature protein, rs28928875, HbVar ID: 107) is reported in the literature, always in-cis with the 4.2kb deletion of HBA2, in multiple individuals affected with Hb Q-H disease, which resembles Hb H disease (Higgs 1980, Lie-Injo 1979, Lorkin 1970, Molchanova 1994, Singsanan 2010, Vella 1958). The Hb Q-Thailand variant is considered a stable hemoglobin variant (HbVar database and references therein). This variant is reported in ClinVar (Variation ID: 15733), and is absent from the Genome Aggregation Database (v2.1.1), indicating it is not a common polymorphism. Computational analyses predict that this variant is deleterious (REVEL: 0.753). Based on available information, the Hb Q-Thailand variant is considered likely benign, though it indicates the presence of the 4.2kb alpha globin deletion in cis. References: Link to HbVar database: Higgs D et al. The genetic basis of Hb Q-H disease. Br J Haematol. 1980 46(3):387-400. PMID: 7448125. Lie-Injo L et al. The alpha-globin gene adjacent to the gene for HbQ-alpha 74 Asp replaced by His is deleted, but not that adjacent to the gene for HbG-alpha 30 Glu replaced by Gln; three-fourths of the alpha-globin genes are deleted in HbQ-alpha-thalassemia. Blood. 1979 54(6):1407-16. PMID: 508945. Lorkin P et al. Two haemoglobins Q, alpha-74 (EF3) and alpha-75 (EF4) aspartic acid to histidine. Br J Haematol. 1970 19(1):117-25. PMID: 5460202. Molchanova T et al. The differences in quantities of alpha 2- and alpha 1-globin gene variants in heterozygotes. Br J Haematol. 1994 88(2):300-6. PMID: 7803274. Singsanan S et al. Hemoglobin Q-Thailand related disorders: origin, molecular, hematological and diagnostic aspects. Blood Cells Mol Dis. 2010 Oct 15;45(3):210-4. PMID: 20615730. Vella F et al. A haemoglobinopathy involving haemoglobin H and a new (Q) haemoglobin. Br Med J. 1958 1(5073):752-5. PMID: 13510789.

Quest Diagnostics Nichols Institute San Juan Capistrano
Classification: Uncertain significance. Last evaluated: 2022-10-12. Review status: criteria provided, single submitter. Criteria: Quest Diagnostics criteria. Collection method: clinical testing. Allele origin: unknown.
Comment: The HBA1 c.223G>C (p.Asp75His) variant (also known as Hb Q-Thailand) has been reported as having normal oxygen affinity and stability. In the published literature, the variant has been reported to be associated with mild thalassemic features and in a case of beta-thalassemia, and tends to occur with deletion of other alpha-globin genes (PMIDs: 2882671 (1987), 1487419 (1992), 29484903 (2018), 32995874 (2021), and 33593224 (2021)). Analysis of this variant using bioinformatics tools for the prediction of the effect of amino acid changes on protein structure and function yielded predictions that this variant is damaging. Based on the available information, we are unable to determine the clinical significance of this variant.

OMIM
Classification: other for HEMOGLOBIN G (TAICHUNG). Last evaluated: 2018-05-10. Review status: no assertion criteria provided. Collection method: literature only. Allele origin: germline. Not counted in ClinVar's aggregate classification.

OMIM
Classification: other for HEMOGLOBIN Q. Last evaluated: 2018-05-10. Review status: no assertion criteria provided. Collection method: literature only. Allele origin: germline. Not counted in ClinVar's aggregate classification.

OMIM
Classification: other for HEMOGLOBIN Q (THAILAND). Last evaluated: 2018-05-10. Review status: no assertion criteria provided. Collection method: literature only. Allele origin: germline. Not counted in ClinVar's aggregate classification.

OMIM
Classification: other for HEMOGLOBIN MAHIDOL. Last evaluated: 2018-05-10. Review status: no assertion criteria provided. Collection method: literature only. Allele origin: germline. Not counted in ClinVar's aggregate classification.

OMIM
Classification: other for HEMOGLOBIN ASABARA. Last evaluated: 2018-05-10. Review status: no assertion criteria provided. Collection method: literature only. Allele origin: germline. Not counted in ClinVar's aggregate classification.

OMIM
Classification: other for HEMOGLOBIN KURASHIKI. Last evaluated: 2018-05-10. Review status: no assertion criteria provided. Collection method: literature only. Allele origin: germline. Not counted in ClinVar's aggregate classification.

GeneReviews
Classification: Pathogenic for alpha Thalassemia. Last evaluated: 2016-12-29. Review status: no assertion criteria provided. Collection method: literature only. Allele origin: germline. Not counted in ClinVar's aggregate classification.

Literature cited by the submitters: PubMed 5410724 (cited by Quest Diagnostics Nichols Institute San Juan Capistrano and OMIM); PubMed 24432778 (cited by Quest Diagnostics Nichols Institute San Juan Capistrano); PubMed 5475469 (cited by Quest Diagnostics Nichols Institute San Juan Capistrano and OMIM); PubMed 5460202 (cited by Quest Diagnostics Nichols Institute San Juan Capistrano and OMIM); PubMed 640847 (cited by Quest Diagnostics Nichols Institute San Juan Capistrano and OMIM); PubMed 508945 (cited by Quest Diagnostics Nichols Institute San Juan Capistrano and OMIM); PubMed 7448125 (cited by Quest Diagnostics Nichols Institute San Juan Capistrano and OMIM); PubMed 2882671 (cited by Quest Diagnostics Nichols Institute San Juan Capistrano); PubMed 1428945 (cited by Quest Diagnostics Nichols Institute San Juan Capistrano); PubMed 20301608 (cited by Quest Diagnostics Nichols Institute San Juan Capistrano); PubMed 30275481 (cited by Quest Diagnostics Nichols Institute San Juan Capistrano); PubMed 32995874 (cited by Quest Diagnostics Nichols Institute San Juan Capistrano); PubMed 29484903 (cited by Quest Diagnostics Nichols Institute San Juan Capistrano); PubMed 20615730 (cited by Quest Diagnostics Nichols Institute San Juan Capistrano); PubMed 33593224 (cited by Quest Diagnostics Nichols Institute San Juan Capistrano); PubMed 36059093 (cited by Quest Diagnostics Nichols Institute San Juan Capistrano); PubMed 35068381 (cited by Quest Diagnostics Nichols Institute San Juan Capistrano); PubMed 35780822 (cited by Quest Diagnostics Nichols Institute San Juan Capistrano); PubMed 34786089 (cited by Quest Diagnostics Nichols Institute San Juan Capistrano); PubMed 34871348 (cited by Quest Diagnostics Nichols Institute San Juan Capistrano); PubMed 21599435 (cited by Quest Diagnostics Nichols Institute San Juan Capistrano); PubMed 1487419 (cited by Quest Diagnostics Nichols Institute San Juan Capistrano and OMIM); PubMed 13510789 (cited by OMIM); PubMed 13703277 (cited by OMIM); PubMed 5960254 (cited by OMIM).

NM_000558.5(HBA1):c.223G>C (p.Asp75His)

Genes: HBA1 (hemoglobin subunit alpha 1; plus strand), LOC106804613 (hemoglobin subunit alpha 1 recombination region; plus strand). Cytogenetic location: 16p13.3.
Variant type: single nucleotide variant.
Coding change: c.223G>C on transcript NM_000558.5 (MANE Select); coding-DNA position 223, G replaced by C.
Protein change: p.Asp75His; replaces aspartic acid 75 with histidine.
Molecular consequence: missense variant.
Genome position (GRCh38, 1-based): chr16:177,056, G>C. VCF-style: chr16-177056-G-C. GRCh37 (hg19) VCF-style: chr16-227055-G-C.
Other names: D74H; NP_000549.1:p.Asp75Gly; Asp74Gly; short protein forms D75H.
Identifiers: ClinVar variation 15733 (VCV000015733.15), dbSNP rs28928875, ClinGen allele CA125737.